The following is an entry in ClinVar:

ClinVar aggregate classification (germline): Likely pathogenic (1 of 4 stars; one submission).

Conditions:
Familial thoracic aortic aneurysm and aortic dissection (TAAD). Also called: Thoracic aortic aneurysms and dissections. Identifiers: Orphanet 91387, MedGen C4707243, MONDO:0019625.

Submission:

Ambry Genetics
Classification: Likely pathogenic for Familial thoracic aortic aneurysm and aortic dissection. Last evaluated: 2025-05-07. Review status: criteria provided, single submitter. Criteria: Ambry Variant Classification Scheme 2023. Collection method: clinical testing. Allele origin: germline.
Comment: The c.1027dupG variant, located in coding exon 6 of the TGFB2 gene, results from a duplication of G at nucleotide position 1027, causing a translational frameshift with a predicted alternate stop codon (p.A343Gfs*26). This alteration occurs at the 3' terminus of theTGFB2 gene, is not expected to trigger nonsense-mediated mRNA decay, and impacts the last 17% of the protein. However, premature stop codons are typically deleterious in nature and a significant portion of the protein is affected (Ambry internal data). This variant was reported in individual(s) with features consistent with TGFB2-related thoracic aortic aneurysm and dissection (TAAD) (Ambry internal data). This variant is considered to be rare based on population cohorts in the Genome Aggregation Database (gnomAD). Based on the majority of available evidence to date, this variant is likely to be pathogenic.

NM_003238.6(TGFB2):c.1027dup (p.Ala343fs)

Gene: TGFB2 (transforming growth factor beta 2; plus strand). Cytogenetic location: 1q41.
Variant type: Duplication.
Coding change: c.1027dup on transcript NM_003238.6 (MANE Select); coding-DNA position 1027, one base duplicated (G; older notation c.1027dupG).
Protein change: p.Ala343fs; shifts the reading frame from alanine 343.
Molecular consequence: frameshift variant. On other transcripts: non-coding transcript variant (2).
Genome position (GRCh38, 1-based): chr1:218,437,437, G duplicated. VCF-style (leftmost placement, unchanged base first): chr1-218437436-T-TG. GRCh37 (hg19) VCF-style: chr1-218610778-T-TG.
Other names: c.1111dup, p.Ala371fs (NM_001135599.4); short protein forms A371fs, A343fs.
Identifiers: ClinVar variation 3968060 (VCV003968060.1).